The following is an entry in ClinVar:

NM_000169.3(GLA):c.1203A>G (p.Ser401=)

Genes: GLA (galactosidase alpha; minus strand), RPL36A-HNRNPH2 (RPL36A-HNRNPH2 readthrough; plus strand). Cytogenetic location: Xq22.1.
Variant type: single nucleotide variant.
Coding change: c.1203A>G on transcript NM_000169.3 (MANE Select); coding-DNA position 1203, A replaced by G.
Protein change: p.Ser401=; no amino-acid change (serine 401 retained).
Molecular consequence: synonymous variant. On other transcripts: non-coding transcript variant (3), intron variant (2).
Genome position (GRCh38, 1-based): chrX:101,397,896, T>C on the plus strand (A>G on the coding strand, the complement: GLA is on the minus strand). VCF-style: chrX-101397896-T-C. GRCh37 (hg19) VCF-style: chrX-100652884-T-C.
Other names: c.1326A>G, p.Ser442= (NM_001406747.1); c.300+2439T>C (NM_001199973.2); c.177+6074T>C (NM_001199974.2).
Identifiers: ClinVar variation 1544275 (VCV001544275.9), dbSNP rs2147470596, ClinGen allele CA517519451.

ClinVar aggregate classification (germline): Likely benign. Review status: criteria provided, multiple submitters, no conflicts (2 of 4 stars). 2 submissions from 2 submitters: Likely benign (2). Last evaluated 2024-07-13.

Conditions:
Fabry disease. Also called: Fabry's disease; ALPHA-GALACTOSIDASE A DEFICIENCY; ANDERSON-FABRY DISEASE; CERAMIDE TRIHEXOSIDASE DEFICIENCY; GLA DEFICIENCY; HEREDITARY DYSTOPIC LIPIDOSIS. Identifiers: Orphanet 324, MedGen C0002986, MONDO:0010526, OMIM 301500, HP:0001071. Disease mechanism: Fabry disease is due to inactivating mutations in the X-linked GLA gene resulting in deficiency of the enzyme Alpha Galactosidase-A., loss of function.

Submissions (2):

Labcorp Genetics (formerly Invitae), Labcorp
Classification: Likely benign for Fabry disease. Last evaluated: 2024-07-13. Review status: criteria provided, single submitter. Criteria: Invitae Variant Classification Sherloc (09022015). Collection method: clinical testing. Allele origin: germline.

All of Us Research Program, National Institutes of Health
Classification: Likely benign for Fabry disease. Last evaluated: 2024-04-16. Review status: criteria provided, single submitter. Criteria: ACMG Guidelines, 2015. Collection method: clinical testing. Allele origin: germline. Inheritance: X-linked inheritance. Observed: 1 variant allele, 1 heterozygote.
Comment: This study involves interpretation of variants in research participants for the purpose of population health screening. Participant phenotype was not available at the time of variant classification. Additional details can be found in publication PMID: 35346344, PMCID: PMC8962531